The following is an entry in ClinVar:

ClinVar aggregate classification (germline): Uncertain significance (1 of 4 stars; one submission).

Conditions:
Epidermolysis bullosa simplex 3, localized or generalized intermediate, with BP230 deficiency (EBS3). Also called: Epidermolysis bullosa simplex due to BP230 deficiency; Epidermolysis bullosa simplex, autosomal recessive 2. Identifiers: Orphanet 412181, MedGen C3809470, MONDO:0014180, OMIM 615425.
Hereditary sensory and autonomic neuropathy type 6. Also called: Neuropathy, hereditary sensory and autonomic, type VI; HSAN VI. Identifiers: Orphanet 314381, MedGen C3539003, MONDO:0013839, OMIM 614653.

Allele frequency attached by ClinVar (database versions not stated): ExAC 0.00001.
gnomAD v4.1: 4 of 1,613,722 alleles (0.00025%); highest among the groups gnomAD compares: Middle Eastern, 0.016%; no homozygotes.

Submission:

Labcorp Genetics (formerly Invitae), Labcorp
Classification: Uncertain significance for Epidermolysis bullosa simplex 3, localized or generalized intermediate, with BP230 deficiency; Hereditary sensory and autonomic neuropathy type 6. Last evaluated: 2022-02-21. Review status: criteria provided, single submitter. Criteria: Invitae Variant Classification Sherloc (09022015). Collection method: clinical testing. Allele origin: germline.
Comment: Experimental studies and prediction algorithms are not available or were not evaluated, and the functional significance of this variant is currently unknown. In summary, the available evidence is currently insufficient to determine the role of this variant in disease. Therefore, it has been classified as a Variant of Uncertain Significance. This variant has not been reported in the literature in individuals affected with DST-related conditions. This variant is present in population databases (rs777521428, gnomAD 0.006%). This sequence change replaces valine, which is neutral and non-polar, with isoleucine, which is neutral and non-polar, at codon 4269 of the DST protein (p.Val4269Ile). The DST gene has multiple clinically relevant transcripts. This variant occurs in alternate transcript NM_015548.4, and corresponds to NM_001723.5:c.*123207G>A in the primary transcript.

NM_001374736.1(DST):c.20674G>A (p.Val6892Ile)

Gene: DST (dystonin; minus strand). Cytogenetic location: 6p12.1.
Variant type: single nucleotide variant.
Coding change: c.20674G>A on transcript NM_001374736.1 (MANE Select); coding-DNA position 20674, G replaced by A.
Protein change: p.Val6892Ile; replaces valine 6892 with isoleucine.
Molecular consequence: missense variant.
Genome position (GRCh38, 1-based): chr6:56,492,310, C>T on the plus strand (G>A on the coding strand, the complement: DST is on the minus strand). VCF-style: chr6-56492310-C-T. GRCh37 (hg19) VCF-style: chr6-56357108-C-T.
Other names: c.14317G>A, p.Val4773Ile (NM_001144769.5); c.13903G>A, p.Val4635Ile (NM_001144770.2); c.20674G>A, p.Val6892Ile (NM_001374722.1); c.19714G>A, p.Val6572Ile (NM_001374729.1); c.13456G>A, p.Val4486Ile (NM_001374730.1); c.20701G>A, p.Val6901Ile (NM_001374734.1); c.13783G>A, p.Val4595Ile (NM_001386100.1, NM_183380.4); c.12805G>A, p.Val4269Ile (NM_015548.5); short protein forms V4635I, V6892I, V6901I, V4595I, V4269I, V6572I, V4486I, V4773I.
Identifiers: ClinVar variation 1924383 (VCV001924383.5), dbSNP rs777521428, ClinGen allele CA3866701.